The following is an entry in ClinVar:

ClinVar aggregate classification (germline): Uncertain significance. Review status: criteria provided, multiple submitters, no conflicts (2 of 4 stars). 3 submissions from 3 submitters: Uncertain significance (3). Last evaluated 2025-08-06.

Allele frequency attached by ClinVar (database versions not stated): gnomAD 0.00001 and 0.00002; gnomAD exomes 0.00002 and 0.00003; TOPMed 0.00004; ExAC 0.00005; ESP Exome Variant Server 0.00008.

Submissions (3):

Ambry Genetics
Classification: Uncertain significance. Last evaluated: 2025-08-06. Review status: criteria provided, single submitter. Criteria: Ambry Variant Classification Scheme 2023. Collection method: clinical testing. Allele origin: germline.

Blueprint Genetics
Classification: Uncertain significance. Last evaluated: 2023-08-11. Review status: criteria provided, single submitter. Criteria: ACMG Guidelines, 2015. Collection method: clinical testing. Allele origin: germline.

Labcorp Genetics (formerly Invitae), Labcorp
Classification: Uncertain significance. Last evaluated: 2022-09-27. Review status: criteria provided, single submitter. Criteria: Invitae Variant Classification Sherloc (09022015). Collection method: clinical testing. Allele origin: germline.
Comment: This sequence change replaces glycine, which is neutral and non-polar, with glutamic acid, which is acidic and polar, at codon 569 of the SAMD11 protein (p.Gly569Glu). This variant is present in population databases (rs376255105, gnomAD 0.007%). This variant has not been reported in the literature in individuals affected with SAMD11-related conditions. ClinVar contains an entry for this variant (Variation ID: 961140). Algorithms developed to predict the effect of missense changes on protein structure and function are either unavailable or do not agree on the potential impact of this missense change (SIFT: "Deleterious"; PolyPhen-2: "Probably Damaging"; Align-GVGD: "Class C0"). In summary, the available evidence is currently insufficient to determine the role of this variant in disease. Therefore, it has been classified as a Variant of Uncertain Significance.

NM_001385641.1(SAMD11):c.2195G>A (p.Gly732Glu)

Gene: SAMD11 (sterile alpha motif domain containing 11; plus strand). Cytogenetic location: 1p36.33.
Variant type: single nucleotide variant.
Coding change: c.2195G>A on transcript NM_001385641.1 (MANE Select); coding-DNA position 2195, G replaced by A.
Protein change: p.Gly732Glu; replaces glycine 732 with glutamic acid.
Molecular consequence: missense variant.
Genome position (GRCh38, 1-based): chr1:943,714, G>A. VCF-style: chr1-943714-G-A. GRCh37 (hg19) VCF-style: chr1-879094-G-A.
Other names: c.2198G>A, p.Gly733Glu (NM_001385640.1); c.1706G>A, p.Gly569Glu (NM_152486.4); short protein forms G569E, G732E, G733E.
Identifiers: ClinVar variation 961140 (VCV000961140.8), dbSNP rs376255105, ClinGen allele CA503243.